The following is an entry in ClinVar:

ClinVar aggregate classification (germline): Uncertain significance (1 of 4 stars; one submission).

gnomAD v4.1: 1 of 1,612,576 alleles (0.000062%); highest among the groups gnomAD compares: East Asian, 0.0022%; no homozygotes.

Submission:

Labcorp Genetics (formerly Invitae), Labcorp
Classification: Uncertain significance. Last evaluated: 2024-05-28. Review status: criteria provided, single submitter. Criteria: Invitae Variant Classification Sherloc (09022015). Collection method: clinical testing. Allele origin: germline.
Comment: This sequence change replaces glycine, which is neutral and non-polar, with alanine, which is neutral and non-polar, at codon 141 of the C1QTNF5 protein (p.Gly141Ala). This variant is not present in population databases (gnomAD no frequency). This variant has not been reported in the literature in individuals affected with C1QTNF5-related conditions. An algorithm developed to predict the effect of missense changes on protein structure and function (PolyPhen-2) suggests that this variant is likely to be disruptive. In summary, the available evidence is currently insufficient to determine the role of this variant in disease. Therefore, it has been classified as a Variant of Uncertain Significance.

NM_001278431.2(C1QTNF5):c.422G>C (p.Gly141Ala)

Genes: C1QTNF5 (C1q and TNF related 5; minus strand), MFRP (membrane frizzled-related protein; minus strand). Cytogenetic location: 11q23.3.
Variant type: single nucleotide variant.
Coding change: c.422G>C on transcript NM_001278431.2 (MANE Select); coding-DNA position 422, G replaced by C.
Protein change: p.Gly141Ala; replaces glycine 141 with alanine.
Molecular consequence: missense variant. On other transcripts: 3 prime UTR variant (1).
Genome position (GRCh38, 1-based): chr11:119,339,641, C>G on the plus strand (G>C on the coding strand, the complement: C1QTNF5 is on the minus strand). VCF-style: chr11-119339641-C-G. GRCh37 (hg19) VCF-style: chr11-119210351-C-G.
Other names: c.422G>C, p.Gly141Ala (NM_015645.5); c.*1318G>C (NM_031433.4); short protein forms G141A.
Identifiers: ClinVar variation 3654283 (VCV003654283.2).